The following is an entry in ClinVar:

NM_138420.4(AHNAK2):c.4506G>C (p.Ser1502=)

Gene: AHNAK2 (AHNAK nucleoprotein 2; minus strand). Cytogenetic location: 14q32.33.
Variant type: single nucleotide variant.
Coding change: c.4506G>C on transcript NM_138420.4 (MANE Select); coding-DNA position 4506, G replaced by C.
Protein change: p.Ser1502=; no amino-acid change (serine 1502 retained).
Molecular consequence: synonymous variant.
Genome position (GRCh38, 1-based): chr14:104,950,945, C>G on the plus strand (G>C on the coding strand, the complement: AHNAK2 is on the minus strand). VCF-style: chr14-104950945-C-G. GRCh37 (hg19) VCF-style: chr14-105417282-C-G.
Other names: c.4206G>C, p.Ser1402= (NM_001350929.2).
Identifiers: ClinVar variation 2644828 (VCV002644828.24), dbSNP rs2819430, ClinGen allele CA7382428.

ClinVar aggregate classification (germline): Likely benign (1 of 4 stars; one submission).

Allele frequency attached by ClinVar (database versions not stated): 1000 Genomes Project 0.00419; 1000 Genomes Project 30x 0.01156.
gnomAD v4.1: 950 of 1,526,880 alleles (0.062%); highest among the groups gnomAD compares: South Asian, 0.42%; 116 homozygotes.

Submission:

CeGaT Center for Human Genetics Tuebingen
Classification: Likely benign. Last evaluated: 2026-07-01. Review status: criteria provided, single submitter. Criteria: CeGaT Center For Human Genetics Tuebingen Variant Classification Criteria Version 2. Collection method: clinical testing. Allele origin: germline. Affected: yes. Observed: 3 variant alleles.
Comment: AHNAK2: BP4, BP7, BS2